The following is an entry in ClinVar:

NM_001374828.1(ARID1B):c.5544A>C (p.Ala1848=)

Gene: ARID1B (AT-rich interaction domain 1B; plus strand). Cytogenetic location: 6q25.3.
Variant type: single nucleotide variant.
Coding change: c.5544A>C on transcript NM_001374828.1 (MANE Select); coding-DNA position 5544, A replaced by C.
Protein change: p.Ala1848=; no amino-acid change (alanine 1848 retained).
Molecular consequence: synonymous variant.
Genome position (GRCh38, 1-based): chr6:157,206,316, A>C. VCF-style: chr6-157206316-A-C. GRCh37 (hg19) VCF-style: chr6-157527450-A-C.
Other names: c.5175A>C (NM_020732.3); c.3045A>C, p.Ala1015= (NM_001363725.2); c.5424A>C, p.Ala1808= (NM_001371656.1, NM_001374820.1); c.5385A>C, p.Ala1795= (NM_017519.3).
Identifiers: ClinVar variation 1254630 (VCV001254630.40), dbSNP rs148922487, ClinGen allele CA4067854.

ClinVar aggregate classification (germline): Benign/Likely benign. Review status: criteria provided, multiple submitters, no conflicts (2 of 4 stars). 4 submissions from 4 submitters: Benign (1); Likely benign (3). Last evaluated 2026-09-01.

Allele frequency attached by ClinVar (database versions not stated): gnomAD exomes 0.00021 and 0.00043; ESP Exome Variant Server 0.00046; gnomAD 0.00013 and 0.00014; ExAC 0.00018; TOPMed 0.00019.
gnomAD v4.1: 641 of 1,614,102 alleles (0.04%); highest among the groups gnomAD compares: Non-Finnish European, 0.053%; 1 homozygote.

Submissions (4):

CeGaT Center for Human Genetics Tuebingen
Classification: Likely benign. Last evaluated: 2026-09-01. Review status: criteria provided, single submitter. Criteria: CeGaT Center For Human Genetics Tuebingen Variant Classification Criteria Version 2. Collection method: clinical testing. Allele origin: germline. Affected: yes. Observed: 4 variant alleles.
Comment: ARID1B: BP4, BP7

Labcorp Genetics (formerly Invitae), Labcorp
Classification: Benign. Last evaluated: 2026-01-12. Review status: criteria provided, single submitter. Criteria: Invitae Variant Classification Sherloc (09022015). Collection method: clinical testing. Allele origin: germline.

Blueprint Genetics
Classification: Likely benign. Last evaluated: 2024-10-15. Review status: criteria provided, single submitter. Criteria: ACMG Guidelines, 2015. Collection method: clinical testing. Allele origin: germline.

GeneDx
Classification: Likely benign. Last evaluated: 2021-01-19. Review status: criteria provided, single submitter. Criteria: GeneDx Variant Classification Process June 2021. Collection method: clinical testing. Allele origin: germline. Affected: yes.